The following is an entry in ClinVar:

NM_020297.4(ABCC9):c.1164+5G>A

Gene: ABCC9 (ATP binding cassette subfamily C member 9; minus strand). Cytogenetic location: 12p12.1.
Variant type: single nucleotide variant.
Coding change: c.1164+5G>A on transcript NM_020297.4 (MANE Select); 5 bases into the intron after coding-DNA position 1164, G replaced by A.
Molecular consequence: intron variant.
Genome position (GRCh38, 1-based): chr12:21,910,821, C>T on the plus strand (G>A on the coding strand, the complement: ABCC9 is on the minus strand). VCF-style: chr12-21910821-C-T. GRCh37 (hg19) VCF-style: chr12-22063755-C-T.
Other names: c.300+5G>A (NM_001377274.1); c.1164+5G>A (NM_005691.4, NM_001377273.1).
Identifiers: ClinVar variation 2090706 (VCV002090706.4), dbSNP rs2541676208, ClinGen allele CA2580085286.
Genomic context (GRCh38, chr12:21,910,821, plus strand): 5'-ATTCTTTTCACTGAATGGTATATAGCATTCTTAGGAAACAAATAGTATTCACAGCCTTTA[C>T]ATACCAGCAGAGCTCCACGGAGGTTAATGCCAGTCTCTATGGTTACATAGTAGGAAGCCT-3'

ClinVar aggregate classification (germline): Uncertain significance (1 of 4 stars; one submission).

Conditions:
Dilated cardiomyopathy 1O (CMD1O). Also called: CARDIOMYOPATHY, DILATED, WITH VENTRICULAR TACHYCARDIA. Identifiers: Orphanet 154, MedGen C1837839, MONDO:0012062, OMIM 608569.

Submission:

Labcorp Genetics (formerly Invitae), Labcorp
Classification: Uncertain significance for Dilated cardiomyopathy 1O. Last evaluated: 2025-02-12. Review status: criteria provided, single submitter. Criteria: Invitae Variant Classification Sherloc (09022015). Collection method: clinical testing. Allele origin: germline.
Comment: This sequence change falls in intron 7 of the ABCC9 gene. It does not directly change the encoded amino acid sequence of the ABCC9 protein. It affects a nucleotide within the consensus splice site. This variant is not present in population databases (gnomAD no frequency). This variant has not been reported in the literature in individuals affected with ABCC9-related conditions. ClinVar contains an entry for this variant (Variation ID: 2090706). Variants that disrupt the consensus splice site are a relatively common cause of aberrant splicing (PMID: 17576681, 9536098). Algorithms developed to predict the effect of sequence changes on RNA splicing suggest that this variant may disrupt the consensus splice site. In summary, the available evidence is currently insufficient to determine the role of this variant in disease. Therefore, it has been classified as a Variant of Uncertain Significance.

Literature cited by the submitters: PubMed 17576681; PubMed 9536098.